The following is an entry in ClinVar:

NM_000138.5(FBN1):c.3457T>C (p.Cys1153Arg)

Gene: FBN1 (fibrillin 1; minus strand). Cytogenetic location: 15q21.1.
Variant type: single nucleotide variant.
Coding change: c.3457T>C on transcript NM_000138.5 (MANE Select); coding-DNA position 3457, T replaced by C.
Protein change: p.Cys1153Arg; replaces cysteine 1153 with arginine.
Molecular consequence: missense variant.
Genome position (GRCh38, 1-based): chr15:48,487,318, A>G on the plus strand (T>C on the coding strand, the complement: FBN1 is on the minus strand). VCF-style: chr15-48487318-A-G. GRCh37 (hg19) VCF-style: chr15-48779515-A-G.
Other names: NM_000138.5(FBN1):c.3457T>C; p.Cys1153Arg; short protein forms C1153R.
Identifiers: ClinVar variation 263660 (VCV000263660.6), dbSNP rs886038877, ClinGen allele CA10587839.
Genomic context (GRCh38, chr15:48,487,318, plus strand): 5'-ATGTCATTCAAACAACTGACCACAAGTAAATGGTGTGAAAGTCTTTCTCCTTACCGATAC[A>G]CGCGGAGATGTTGGGGGACAGCTGATGGCCAGGCGGGCATTCACAGCGGTAACTTCCCTC-3'
Protein context (NP_000129.3, residues 1143-1163): GHQLSPNISA[Cys1153Arg]IDINECELSA

ClinVar aggregate classification (germline): Likely pathogenic. Review status: reviewed by expert panel (3 of 4 stars). 3 submissions from 3 submitters: Likely pathogenic (1). 2 of the submissions do not count toward it. Last evaluated 2023-12-29.

Conditions:
Cardiovascular phenotype. Identifiers: MedGen CN230736.
Marfan syndrome (MFS). Also called: MARFAN SYNDROME, TYPE I; FBN1-Related Marfan Syndrome; Marfan syndrome, classic; Marfan syndrome type 1; Marfan's syndrome. Identifiers: Orphanet 284963, Orphanet 558, MedGen C0024796, MONDO:0007947, OMIM 154700.
Familial thoracic aortic aneurysm and aortic dissection (TAAD). Also called: Thoracic aortic aneurysms and dissections. Identifiers: Orphanet 91387, MedGen C4707243, MONDO:0019625.

Submissions (3):

ClinGen FBN1 Variant Curation Expert Panel, ClinGen
Classification: Likely pathogenic for Marfan syndrome. Last evaluated: 2023-12-29. Review status: reviewed by expert panel. Criteria: Assertion Criteria VCEP FBN1 Version 1. Collection method: curation. Allele origin: germline. Inheritance: Autosomal dominant inheritance.
Comment: The NM_00138 c.3457T>C, is a missense variant in FBN1 predicted to cause a substitution of a cysteine residue by arginine at amino acid 1153 (p.Cys1153Arg) in a calcium binding EGF-like domain. Cysteine residues are believed to be involved in the formation of disulfide bridges which are essential for the protein structure (PM1_strong). This variant has been reported two times in ClinVar: once as likely pathogenic, and once as uncertain significance (Variation ID: 263660). To our knowledge, this variant has not previously been reported in individuals affected with Marfan syndrome in the literature. This variant is not present in gnomAD (PM2_sup; v2.1.1). Other missense variants affecting the same residue, including p.Cys1153Ser, Cys1153Phe, and Cys1153Tyr, have been previously reported in individuals with Marfan syndrome (PMID 16222657, 14695540, 24928929, internal data). Computational prediction tools and conservation analysis suggest that this variant may impact the protein (REVEL: 0.944, PP3). The constraint z-score for missense variants affecting FBN1 is 5.06 (PP2). In summary, this variant meets criteria to be classified as likely pathogenic for Marfan syndrome based on the ACMG/AMP criteria applied, as specified by the ClinGen FBN1 VCEP: PM1_Strong, PM2_Sup, PP2, PP3.

CHEO Genetics Diagnostic Laboratory, Children's Hospital of Eastern Ontario
Classification: Uncertain significance for Familial thoracic aortic aneurysm and aortic dissection. Last evaluated: 2017-02-07. Review status: criteria provided, single submitter. Criteria: ACMG Guidelines, 2015. Collection method: clinical testing. Allele origin: germline. Study: Canadian Open Genetics Repository. Not counted in ClinVar's aggregate classification.

Ambry Genetics
Classification: Likely pathogenic for Cardiovascular phenotype. Last evaluated: 2013-06-25. Review status: criteria provided, single submitter. Criteria: Ambry Autosomal Dominant and X-Linked criteria (10/2015). Collection method: clinical testing. Allele origin: germline. Observed: 1 variant allele. Not counted in ClinVar's aggregate classification.